The following is an entry in ClinVar:

ClinVar aggregate classification (germline): Uncertain significance. Review status: criteria provided, multiple submitters, no conflicts (2 of 4 stars). 2 submissions from 2 submitters: Uncertain significance (2). Last evaluated 2025-04-17.

Submissions (2):

GeneDx
Classification: Uncertain significance. Last evaluated: 2025-04-17. Review status: criteria provided, single submitter. Criteria: GeneDx Variant Classification Process June 2021. Collection method: clinical testing. Allele origin: germline. Affected: yes.
Comment: Not observed at significant frequency in large population cohorts (gnomAD); In silico analysis indicates that this missense variant does not alter protein structure/function; Has not been previously published as pathogenic or benign to our knowledge

Women's Health and Genetics/Laboratory Corporation of America, LabCorp
Classification: Uncertain significance. Last evaluated: 2024-11-27. Review status: criteria provided, single submitter. Criteria: LabCorp Variant Classification Summary - May 2015. Collection method: clinical testing. Allele origin: germline.
Comment: Variant summary: KCNC3 c.1847G>T (p.Gly616Val) results in a non-conservative amino acid change in the encoded protein sequence. Four of five in-silico tools predict a damaging effect of the variant on protein function. The variant allele was found at a frequency of 1.3e-06 in 1533270 control chromosomes. The available data on variant occurrences in the general population are insufficient to allow any conclusion about variant significance. To our knowledge, no occurrence of c.1847G>T in individuals affected with Spinocerebellar Ataxia Type 13 and no experimental evidence demonstrating its impact on protein function have been reported. No submitters have cited clinical-significance assessments for this variant to ClinVar. Based on the evidence outlined above, the variant was classified as uncertain significance.

NM_004977.3(KCNC3):c.1847G>T (p.Gly616Val)

Gene: KCNC3 (potassium voltage-gated channel subfamily C member 3; minus strand). Cytogenetic location: 19q13.33.
Variant type: single nucleotide variant.
Coding change: c.1847G>T on transcript NM_004977.3 (MANE Select); coding-DNA position 1847, G replaced by T.
Protein change: p.Gly616Val; replaces glycine 616 with valine.
Molecular consequence: missense variant.
Genome position (GRCh38, 1-based): chr19:50,323,106, C>A on the plus strand (G>T on the coding strand, the complement: KCNC3 is on the minus strand). VCF-style: chr19-50323106-C-A. GRCh37 (hg19) VCF-style: chr19-50826363-C-A.
Other names: c.1619G>T, p.Gly540Val (NM_001372305.1); c.1847G>T (NM_004977.2); short protein forms G540V, G616V.
Identifiers: ClinVar variation 3629501 (VCV003629501.3).